The following is an entry in ClinVar:

NM_000128.4(F11):c.1235_1236insTACAT (p.Gln412fs)

Gene: F11 (coagulation factor XI; plus strand). Cytogenetic location: 4q35.2.
Variant type: Insertion.
Coding change: c.1235_1236insTACAT on transcript NM_000128.4 (MANE Select); coding-DNA positions 1235 to 1236, TACAT inserted.
Protein change: p.Gln412fs; shifts the reading frame from glutamine 412.
Molecular consequence: frameshift variant.
Genome position: GRCh38 VCF-style: chr4-186284191-A-ATACAT. GRCh37 (hg19) VCF-style: chr4-187205345-A-ATACAT.
Other names: c.1187_1188insTACAT, p.Gln396fs (NM_001440590.1, NM_001440596.1); c.1235_1236insTACAT, p.Gln412fs (NM_001440593.1); c.965_966insTACAT, p.Gln322fs (NM_001440605.1, NM_001440607.1); c.917_918insTACAT, p.Gln306fs (NM_001440606.1, NM_001440608.1); short protein forms Q306fs, Q322fs, Q396fs, Q412fs.
Identifiers: ClinVar variation 5010746 (VCV005010746.1).

ClinVar aggregate classification (germline): Pathogenic (1 of 4 stars; one submission).

Conditions:
Hereditary factor XI deficiency disease. Also called: PLASMA THROMBOPLASTIN ANTECEDENT DEFICIENCY; PTA DEFICIENCY; ROSENTHAL SYNDROME; Congenital factor XI deficiency. Identifiers: Orphanet 329, MedGen C0015523, MeSH D005173, MONDO:0012897, OMIM 612416.

Submission:

Myriad Genetics, Inc.
Classification: Pathogenic for Hereditary factor XI deficiency disease. Last evaluated: 2024-05-14. Review status: criteria provided, single submitter. Criteria: Myriad Autosomal Dominant, Autosomal Recessive and X-Linked Classification Criteria (2023). Collection method: clinical testing. Allele origin: unknown.
Comment: NM_000128.3(F11):c.1235_1236ins5(Q412Hfs*3) is expected to be pathogenic in the context of factor XI deficiency. This variant is predicted to lead to an abnormal or absent protein product due to the creation of a premature termination codon in F11, a gene where loss-of-function variants are known to be pathogenic. Please note: this variant was assessed in the context of healthy population screening.